The following is an entry in ClinVar:

ClinVar aggregate classification (germline): Uncertain significance (1 of 4 stars; one submission).

Conditions:
Myofibrillar myopathy 5. Also called: FILAMINOPATHY, AUTOSOMAL DOMINANT; Filaminopathy (type). Identifiers: Orphanet 171445, MedGen C1836050, MONDO:0012289, OMIM 609524.
Distal myopathy with posterior leg and anterior hand involvement. Also called: WILLIAMS DISTAL MYOPATHY. Identifiers: Orphanet 63273, MedGen C3279722, MONDO:0013550, OMIM 614065.
Hypertrophic cardiomyopathy 26. Also called: Cardiomyopathy, familial hypertrophic, 26. Identifiers: Orphanet 75249, MedGen C4310749, MONDO:0014883, OMIM 617047.
Dilated Cardiomyopathy, Dominant.

gnomAD v4.1: 12 of 1,613,812 alleles (0.00074%); highest among the groups gnomAD compares: Non-Finnish European, 0.00093%; no homozygotes.

Submission:

Labcorp Genetics (formerly Invitae), Labcorp
Classification: Uncertain significance for Distal myopathy with posterior leg and anterior hand involvement; Myofibrillar myopathy 5; Hypertrophic cardiomyopathy 26. Last evaluated: 2021-08-26. Review status: criteria provided, single submitter. Criteria: Invitae Variant Classification Sherloc (09022015). Collection method: clinical testing. Allele origin: germline.
Comment: This sequence change replaces glycine with cysteine at codon 1168 of the FLNC protein (p.Gly1168Cys). The glycine residue is moderately conserved and there is a large physicochemical difference between glycine and cysteine. This variant is not present in population databases (ExAC no frequency). This variant has not been reported in the literature in individuals affected with FLNC-related conditions. Algorithms developed to predict the effect of missense changes on protein structure and function are either unavailable or do not agree on the potential impact of this missense change (SIFT: "Deleterious"; PolyPhen-2: "Probably Damaging"; Align-GVGD: "Class C0"). In summary, the available evidence is currently insufficient to determine the role of this variant in disease. Therefore, it has been classified as a Variant of Uncertain Significance.

NM_001458.5(FLNC):c.3502G>T (p.Gly1168Cys)

Gene: FLNC (filamin C; plus strand). Cytogenetic location: 7q32.1.
Variant type: single nucleotide variant.
Coding change: c.3502G>T on transcript NM_001458.5 (MANE Select); coding-DNA position 3502, G replaced by T.
Protein change: p.Gly1168Cys; replaces glycine 1168 with cysteine.
Molecular consequence: missense variant.
Genome position (GRCh38, 1-based): chr7:128,844,967, G>T. VCF-style: chr7-128844967-G-T. GRCh37 (hg19) VCF-style: chr7-128485021-G-T.
Other names: c.3502G>T, p.Gly1168Cys (NM_001127487.2); short protein forms G1168C.
Identifiers: ClinVar variation 1366110 (VCV001366110.5), dbSNP rs199814952, ClinGen allele CA369197116.